The following is an entry in ClinVar:

ClinVar aggregate classification (germline): Conflicting classifications of pathogenicity. Review status: criteria provided, conflicting classifications (1 of 4 stars). 3 submissions from 3 submitters: Uncertain significance (2); Likely benign (1). Last evaluated 2024-07-25.

Conditions:
Hereditary cancer-predisposing syndrome. Also called: Tumor predisposition; Neoplastic Syndromes, Hereditary; Hereditary Cancer Syndrome; Hereditary neoplastic syndrome. Identifiers: Orphanet 140162, MedGen C0027672, MeSH D009386, MONDO:0015356.
Hereditary diffuse gastric adenocarcinoma (HDGC). Also called: DIFFUSE GASTRIC AND LOBULAR BREAST CANCER SYNDROME. Identifiers: Orphanet 26106, MedGen C1708349, MONDO:0007648, OMIM 137215.

Submissions (3):

Ambry Genetics
Classification: Uncertain significance for Hereditary cancer-predisposing syndrome. Last evaluated: 2024-07-25. Review status: criteria provided, single submitter. Criteria: Ambry Variant Classification Scheme 2023. Collection method: clinical testing. Allele origin: germline.
Comment: The c.48+5_48+6delCCinsAT intronic variant, located in intron 1 of the CDH1 gene, results from the deletion of two nucleotides (CC) and the insertion of two nucleotides (AT) at nucleotide positions 48+5 to 48+6. These nucleotide positions are not well conserved in available vertebrate species. In silico splice site analysis predicts that this alteration will not have any significant effect on splicing; however, direct evidence is insufficient at this time (Ambry internal data). Based on the available evidence, the clinical significance of this variant remains unclear.

Labcorp Genetics (formerly Invitae), Labcorp
Classification: Uncertain significance for Hereditary diffuse gastric adenocarcinoma. Last evaluated: 2022-02-11. Review status: criteria provided, single submitter. Criteria: Invitae Variant Classification Sherloc (09022015). Collection method: clinical testing. Allele origin: germline.
Comment: Variants that disrupt the consensus splice site are a relatively common cause of aberrant splicing (PMID: 17576681, 9536098). Algorithms developed to predict the effect of sequence changes on RNA splicing suggest that this variant is not likely to affect RNA splicing. This sequence change falls in intron 1 of the CDH1 gene. It does not directly change the encoded amino acid sequence of the CDH1 protein. It affects a nucleotide within the consensus splice site. Information on the frequency of this variant in the gnomAD database is not available, as this variant may be reported differently in the database. This variant has not been reported in the literature in individuals affected with CDH1-related conditions. ClinVar contains an entry for this variant (Variation ID: 491541). In summary, the available evidence is currently insufficient to determine the role of this variant in disease. Therefore, it has been classified as a Variant of Uncertain Significance.

Color Diagnostics, LLC DBA Color Health
Classification: Likely benign for Hereditary cancer-predisposing syndrome. Last evaluated: 2017-04-28. Review status: criteria provided, single submitter. Criteria: ACMG Guidelines, 2015. Collection method: clinical testing. Allele origin: germline.

Literature cited by the submitters: PubMed 17576681 (cited by Labcorp Genetics (formerly Invitae), Labcorp); PubMed 9536098 (cited by Labcorp Genetics (formerly Invitae), Labcorp).

NM_004360.5(CDH1):c.48+5_48+6delinsAT

Gene: CDH1 (cadherin 1; plus strand). Cytogenetic location: 16q22.1.
Variant type: Indel.
Coding change: c.48+5_48+6delinsAT on transcript NM_004360.5 (MANE Select); bases 5 to 6 of the intron after coding-DNA position 48, CC replaced by AT.
Molecular consequence: intron variant.
Genome position (GRCh38, 1-based): chr16:68,737,468-68,737,469, CC replaced by AT. VCF-style: chr16-68737468-CC-AT. GRCh37 (hg19) VCF-style: chr16-68771371-CC-AT.
Other names: c.-1568+5_-1568+6delinsAT (NM_001317185.2); c.-1772+5_-1772+6delinsAT (NM_001317186.2); c.48+5_48+6delinsAT (NM_001317184.2); c.48+5_48+6delCCinsAT (NM_004360.3).
Identifiers: ClinVar variation 491541 (VCV000491541.14), dbSNP rs1555509656, ClinGen allele CA658683941.